The following is an entry in ClinVar:

NM_022726.4(ELOVL4):c.*361C>T

Gene: ELOVL4 (ELOVL fatty acid elongase 4; minus strand). Cytogenetic location: 6q14.1.
Variant type: single nucleotide variant.
Coding change: c.*361C>T on transcript NM_022726.4 (MANE Select); 361 bases downstream of the stop codon, C replaced by T.
Molecular consequence: 3 prime UTR variant.
Genome position (GRCh38, 1-based): chr6:79,916,247, G>A on the plus strand (C>T on the coding strand, the complement: ELOVL4 is on the minus strand). VCF-style: chr6-79916247-G-A. GRCh37 (hg19) VCF-style: chr6-80625964-G-A.
Identifiers: ClinVar variation 358137 (VCV000358137.5), dbSNP rs41270557, ClinGen allele CA10627758.
Genomic context (GRCh38, chr6:79,916,247, plus strand): 5'-CACTGATTTCAGTCAGTAGATAAGATAATTAGTAATTTATCAAAATAATTCATAAAGACC[G>A]TTTCTGTGATCGTCTAAAATTCAGACCGAAGAATGAGTGACTATAAGATACATGAAAAAT-3'

ClinVar aggregate classification (germline): Benign (1 of 4 stars; one submission).

Conditions:
Stargardt disease 3. Also called: MACULAR DYSTROPHY WITH FLECKS, TYPE 3; STARGARDT-LIKE MACULAR DYSTROPHY, AUTOSOMAL DOMINANT. Identifiers: Orphanet 827, MedGen C1838644, MONDO:0010819, OMIM 600110.

Allele frequency attached by ClinVar (database versions not stated): gnomAD exomes 0.02064; 1000 Genomes Project 30x 0.02358; 1000 Genomes Project 0.02376; TOPMed 0.03041; gnomAD 0.03219 and 0.03380.
gnomAD v4.1: 6,210 of 215,808 alleles (2.9%); highest among the groups gnomAD compares: African/African-American, 5.3%; 137 homozygotes.

Submission:

Illumina Laboratory Services, Illumina
Classification: Benign for Stargardt disease 3. Last evaluated: 2018-01-13. Review status: criteria provided, single submitter. Criteria: ICSL Variant Classification Criteria 13 December 2019. Collection method: clinical testing. Allele origin: germline.
Comment: This variant was observed in the ICSL laboratory as part of a predisposition screen in an ostensibly healthy population. It had not been previously curated by ICSL or reported in the Human Gene Mutation Database (HGMD: prior to June 1st, 2018), and was therefore a candidate for classification through an automated scoring system. Utilizing variant allele frequency, disease prevalence and penetrance estimates, and inheritance mode, an automated score was calculated to assess if this variant is too frequent to cause the disease. Based on the score and internal cut-off values, a variant classified as benign is not then subjected to further curation. The score for this variant resulted in a classification of benign for this disease.